The following is an entry in ClinVar:

NM_003024.3(ITSN1):c.2191C>T (p.Pro731Ser)

Gene: ITSN1 (intersectin 1; plus strand). Cytogenetic location: 21q22.11.
Variant type: single nucleotide variant.
Coding change: c.2191C>T on transcript NM_003024.3 (MANE Select); coding-DNA position 2191, C replaced by T.
Protein change: p.Pro731Ser; replaces proline 731 with serine.
Molecular consequence: missense variant.
Genome position (GRCh38, 1-based): chr21:33,799,816, C>T. VCF-style: chr21-33799816-C-T. GRCh37 (hg19) VCF-style: chr21-35172120-C-T.
Other names: c.2191C>T, p.Pro731Ser (NM_001001132.2, NM_001331008.2, NM_001331009.2 and 2 more transcripts); c.2080C>T, p.Pro694Ser (NM_001331012.2); short protein forms P694S, P731S.
Identifiers: ClinVar variation 985623 (VCV000985623.4), dbSNP rs763242335, ClinGen allele CA410133515.
Genomic context (GRCh38, chr21:33,799,816, plus strand): 5'-GTGTTCTCTGTAATTATTTATTTTTGTCCCCCCCACCTTTTTTTGTAAACAGAAAAAGGT[C>T]CACTTACCATTTCTGCACAGGAAAATGTAAAAGTGGTGTATTACCGGGCACTGTACCCCT-3'
Protein context (NP_003015.2, residues 721-741): QAPWSTAEKG[Pro731Ser]LTISAQENVK

ClinVar aggregate classification (germline): Uncertain significance (1 of 4 stars; one submission).

Conditions:
Inborn genetic diseases. Identifiers: MedGen C0950123, MeSH D030342.

Submission:

Ambry Genetics
Classification: Uncertain significance for Inborn genetic diseases. Last evaluated: 2023-09-20. Review status: criteria provided, single submitter. Criteria: Ambry Variant Classification Scheme 2023. Collection method: clinical testing. Allele origin: germline.
Comment: The c.2191C>T (p.P731S) alteration is located in exon 19 (coding exon 18) of the ITSN1 gene. This alteration results from a C to T substitution at nucleotide position 2191, causing the proline (P) at amino acid position 731 to be replaced by a serine (S). This variant was not reported in population-based cohorts in the Genome Aggregation Database (gnomAD). This amino acid position is highly conserved in available vertebrate species. This alteration is predicted to be tolerated by in silico analysis. Based on insufficient or conflicting evidence, the clinical significance of this alteration remains unclear.